The following is an entry in ClinVar:

ClinVar aggregate classification (germline): Benign/Likely benign. Review status: criteria provided, multiple submitters, no conflicts (2 of 4 stars). 6 submissions from 6 submitters: Benign (1); Likely benign (5). Last evaluated 2026-05-22.

Conditions:
Hereditary cancer-predisposing syndrome. Also called: Tumor predisposition; Neoplastic Syndromes, Hereditary; Hereditary Cancer Syndrome; Hereditary neoplastic syndrome. Identifiers: Orphanet 140162, MedGen C0027672, MeSH D009386, MONDO:0015356.
Neurofibromatosis, type 1 (NF1). Also called: Peripheral type neurofibromatosis; Neurofibromatosis, type I; NEUROFIBROMATOSIS, TYPE I, SOMATIC; VON RECKLINGHAUSEN DISEASE. Identifiers: Orphanet 636, MedGen C0027831, MONDO:0018975, OMIM 162200. Disease mechanism: loss of function.

Allele frequency attached by ClinVar (database versions not stated): gnomAD exomes 0.00004 and 0.00006; ExAC 0.00007; 1000 Genomes Project 30x 0.00016; gnomAD 0.00023 and 0.00024; TOPMed 0.00028.
gnomAD v4.1: 87 of 1,613,816 alleles (0.0054%); highest among the groups gnomAD compares: African/African-American, 0.056%; no homozygotes.

Submissions (6):

Myriad Genetics, Inc.
Classification: Benign for Neurofibromatosis, type 1. Last evaluated: 2026-05-22. Review status: criteria provided, single submitter. Criteria: Myriad Autosomal Dominant, Autosomal Recessive and X-Linked Classification Criteria (2023). Collection method: clinical testing. Allele origin: unknown.
Comment: This variant is considered benign. This variant is a silent/synonymous amino acid change and it is not expected to impact splicing.

Labcorp Genetics (formerly Invitae), Labcorp
Classification: Likely benign for Neurofibromatosis, type 1. Last evaluated: 2026-02-02. Review status: criteria provided, single submitter. Criteria: Invitae Variant Classification Sherloc (09022015). Collection method: clinical testing. Allele origin: germline.

Blueprint Genetics
Classification: Likely benign. Last evaluated: 2024-09-18. Review status: criteria provided, single submitter. Criteria: ACMG Guidelines, 2015. Collection method: clinical testing. Allele origin: germline.

CeGaT Center for Human Genetics Tuebingen
Classification: Likely benign. Last evaluated: 2024-06-01. Review status: criteria provided, single submitter. Criteria: CeGaT Center For Human Genetics Tuebingen Variant Classification Criteria Version 2. Collection method: clinical testing. Allele origin: germline. Affected: yes. Observed: 2 variant alleles.
Comment: NF1: BP4, BP7

Sema4
Classification: Likely benign for Hereditary cancer-predisposing syndrome. Last evaluated: 2021-07-01. Review status: criteria provided, single submitter. Criteria: Sema4 Curation Guidelines. Collection method: curation. Allele origin: germline.

Ambry Genetics
Classification: Likely benign for Hereditary cancer-predisposing syndrome. Last evaluated: 2014-11-04. Review status: criteria provided, single submitter. Criteria: Ambry Autosomal Dominant and X-Linked criteria (10/2015). Collection method: clinical testing. Allele origin: germline. Observed: 1 variant allele.

NM_001042492.3(NF1):c.7998C>T (p.Asn2666=)

Gene: NF1 (neurofibromin 1; plus strand). Cytogenetic location: 17q11.2.
Variant type: single nucleotide variant.
Coding change: c.7998C>T on transcript NM_001042492.3 (MANE Select); coding-DNA position 7998, C replaced by T.
Protein change: p.Asn2666=; no amino-acid change (asparagine 2666 retained).
Molecular consequence: synonymous variant.
Genome position (GRCh38, 1-based): chr17:31,358,507, C>T. VCF-style: chr17-31358507-C-T. GRCh37 (hg19) VCF-style: chr17-29685525-C-T.
Other names: c.7935C>T, p.Asn2645= (NM_000267.4).
Identifiers: ClinVar variation 184602 (VCV000184602.55), dbSNP rs747307832, ClinGen allele CA189436.